The following is an entry in ClinVar:

NM_016529.6(ATP8A2):c.892-3T>C

Gene: ATP8A2 (ATPase phospholipid transporting 8A2). Cytogenetic location: 13q12.13.
Variant type: single nucleotide variant.
Coding change: c.892-3T>C on transcript NM_016529.6 (MANE Select); 3 bases into the intron before coding-DNA position 892, T replaced by C.
Molecular consequence: intron variant.
Genome position (GRCh38, 1-based): chr13:25,551,335, T>C. VCF-style: chr13-25551335-T-C. GRCh37 (hg19) VCF-style: chr13-26125473-T-C.
Other names: c.772-3T>C (NM_001313741.1).
Identifiers: ClinVar variation 1507147 (VCV001507147.6), dbSNP rs2138055357, ClinGen allele CA2518843109.

ClinVar aggregate classification (germline): Uncertain significance (1 of 4 stars; one submission).

Submission:

Labcorp Genetics (formerly Invitae), Labcorp
Classification: Uncertain significance. Last evaluated: 2023-12-11. Review status: criteria provided, single submitter. Criteria: Invitae Variant Classification Sherloc (09022015). Collection method: clinical testing. Allele origin: germline.
Comment: This sequence change falls in intron 10 of the ATP8A2 gene. It does not directly change the encoded amino acid sequence of the ATP8A2 protein. It affects a nucleotide within the consensus splice site. This variant is not present in population databases (gnomAD no frequency). This variant has not been reported in the literature in individuals affected with ATP8A2-related conditions. ClinVar contains an entry for this variant (Variation ID: 1507147). Variants that disrupt the consensus splice site are a relatively common cause of aberrant splicing (PMID: 17576681, 9536098). Algorithms developed to predict the effect of sequence changes on RNA splicing suggest that this variant is not likely to affect RNA splicing. In summary, the available evidence is currently insufficient to determine the role of this variant in disease. Therefore, it has been classified as a Variant of Uncertain Significance.

Literature cited by the submitters: PubMed 17576681; PubMed 9536098.